The following is an entry in ClinVar:

NM_001042517.2(DIAPH3):c.2945T>C (p.Ile982Thr)

Gene: DIAPH3 (diaphanous related formin 3; minus strand). Cytogenetic location: 13q21.2.
Variant type: single nucleotide variant.
Coding change: c.2945T>C on transcript NM_001042517.2 (MANE Select); coding-DNA position 2945, T replaced by C.
Protein change: p.Ile982Thr; replaces isoleucine 982 with threonine.
Molecular consequence: missense variant.
Genome position (GRCh38, 1-based): chr13:59,833,189, A>G on the plus strand (T>C on the coding strand, the complement: DIAPH3 is on the minus strand). VCF-style: chr13-59833189-A-G. GRCh37 (hg19) VCF-style: chr13-60407323-A-G.
Other names: c.2912T>C, p.Ile971Thr (NM_001258366.2); c.2807T>C, p.Ile936Thr (NM_001258367.2); c.2735T>C, p.Ile912Thr (NM_001258368.2); c.2945T>C, p.Ile982Thr (NM_001258369.2); c.2156T>C, p.Ile719Thr (NM_030932.4); short protein forms I936T, I971T, I719T, I912T, I982T.
Identifiers: ClinVar variation 1359478 (VCV001359478.10), dbSNP rs754642174, ClinGen allele CA6996235.

ClinVar aggregate classification (germline): Conflicting classifications of pathogenicity. Review status: criteria provided, conflicting classifications (1 of 4 stars). 3 submissions from 3 submitters: Uncertain significance (1); Likely benign (2). Last evaluated 2025-08-25.

Conditions:
DIAPH3-related disorder. Also called: DIAPH3-related condition.

Allele frequency attached by ClinVar (database versions not stated): gnomAD exomes 0.00004 and 0.00010; gnomAD 0.00006 and 0.00007; TOPMed 0.00007; ExAC 0.00008.
gnomAD v4.1: 62 of 1,610,624 alleles (0.0038%); highest among the groups gnomAD compares: East Asian, 0.13%; no homozygotes.

Submissions (3):

PreventionGenetics, part of Exact Sciences
Classification: Likely benign for DIAPH3-related condition. Last evaluated: 2025-08-25. Review status: criteria provided, single submitter. Criteria: ACMG Guidelines, 2015. Collection method: clinical testing. Allele origin: germline.
Comment: This variant is classified as likely benign based on ACMG/AMP sequence variant interpretation guidelines (Richards et al. 2015 PMID: 25741868, with internal and published modifications).

Labcorp Genetics (formerly Invitae), Labcorp
Classification: Uncertain significance. Last evaluated: 2025-04-21. Review status: criteria provided, single submitter. Criteria: Invitae Variant Classification Sherloc (09022015). Collection method: clinical testing. Allele origin: germline.
Comment: This sequence change replaces isoleucine, which is neutral and non-polar, with threonine, which is neutral and polar, at codon 982 of the DIAPH3 protein (p.Ile982Thr). This variant is present in population databases (rs754642174, gnomAD 0.1%), and has an allele count higher than expected for a pathogenic variant. This variant has not been reported in the literature in individuals affected with DIAPH3-related conditions. ClinVar contains an entry for this variant (Variation ID: 1359478). An algorithm developed to predict the effect of missense changes on protein structure and function (PolyPhen-2) suggests that this variant is likely to be tolerated. In summary, the available evidence is currently insufficient to determine the role of this variant in disease. Therefore, it has been classified as a Variant of Uncertain Significance.

GeneDx
Classification: Likely benign. Last evaluated: 2019-05-09. Review status: criteria provided, single submitter. Criteria: GeneDx Variant Classification Process June 2021. Collection method: clinical testing. Allele origin: germline. Affected: yes.
Comment: See Variant Classification Assertion Criteria.